The following is an entry in ClinVar:

ClinVar aggregate classification (germline): Pathogenic (1 of 4 stars; one submission).

Submission:

Labcorp Genetics (formerly Invitae), Labcorp
Classification: Pathogenic. Last evaluated: 2024-07-30. Review status: criteria provided, single submitter. Criteria: Invitae Variant Classification Sherloc (09022015). Collection method: clinical testing. Allele origin: germline.
Comment: This sequence change creates a premature translational stop signal (p.Asp464Ilefs*22) in the MYO15A gene. It is expected to result in an absent or disrupted protein product. Loss-of-function variants in MYO15A are known to be pathogenic (PMID: 17546645). This variant is not present in population databases (gnomAD no frequency). This variant has not been reported in the literature in individuals affected with MYO15A-related conditions. For these reasons, this variant has been classified as Pathogenic.

Literature cited by the submitters: PubMed 17546645.

NM_016239.4(MYO15A):c.1390del (p.Asp464fs)

Gene: MYO15A (myosin XVA; plus strand). Cytogenetic location: 17p11.2.
Variant type: Deletion.
Coding change: c.1390del on transcript NM_016239.4 (MANE Select); coding-DNA position 1390, one base deleted (G; older notation c.1390delG).
Protein change: p.Asp464fs; shifts the reading frame from aspartic acid 464.
Molecular consequence: frameshift variant.
Genome position (GRCh38, 1-based): chr17:18,120,190, G deleted; the last of 2 consecutive G bases (chr17:18,120,189-18,120,190); deleting either gives the same sequence. VCF-style (leftmost placement, unchanged base first): chr17-18120188-TG-T. GRCh37 (hg19) VCF-style: chr17-18023502-TG-T.
Other names: short protein forms D464fs.
Identifiers: ClinVar variation 3693322 (VCV003693322.2).